The following is an entry in ClinVar:

ClinVar aggregate classification (germline): Pathogenic (1 of 4 stars; one submission).

Conditions:
Peroxisome biogenesis disorder 11A (Zellweger). Also called: Peroxisome biogenesis disorder 11A. Identifiers: Orphanet 912, MedGen C3554000, MONDO:0013949, OMIM 614883.

Submission:

Labcorp Genetics (formerly Invitae), Labcorp
Classification: Pathogenic for Peroxisome biogenesis disorder 11A (Zellweger). Last evaluated: 2023-09-03. Review status: criteria provided, single submitter. Criteria: Invitae Variant Classification Sherloc (09022015). Collection method: clinical testing. Allele origin: germline.
Comment: This sequence change creates a premature translational stop signal (p.Ser144Ilefs*2) in the PEX13 gene. It is expected to result in an absent or disrupted protein product. Loss-of-function variants in PEX13 are known to be pathogenic (PMID: 10332040, 21031596). This variant is not present in population databases (gnomAD no frequency). This variant has not been reported in the literature in individuals affected with PEX13-related conditions. For these reasons, this variant has been classified as Pathogenic.

Literature cited by the submitters: PubMed 10332040; PubMed 21031596.

NM_002618.4(PEX13):c.431del (p.Ser144fs)

Gene: PEX13 (peroxisomal biogenesis factor 13; plus strand). Cytogenetic location: 2p15.
Variant type: Deletion.
Coding change: c.431del on transcript NM_002618.4 (MANE Select); coding-DNA position 431, one base deleted (G; older notation c.431delG).
Protein change: p.Ser144fs; shifts the reading frame from serine 144.
Molecular consequence: frameshift variant.
Genome position (GRCh38, 1-based): chr2:61,031,757, G deleted. VCF-style (leftmost placement, unchanged base first): chr2-61031756-AG-A. GRCh37 (hg19) VCF-style: chr2-61258891-AG-A.
Other names: short protein forms S144fs.
Identifiers: ClinVar variation 2757683 (VCV002757683.3), dbSNP rs2467508032, ClinGen allele CA2697548190.